The following is an entry in ClinVar:

NM_000081.4(LYST):c.10366A>G (p.Thr3456Ala)

Gene: LYST (lysosomal trafficking regulator; minus strand). Cytogenetic location: 1q42.3.
Variant type: single nucleotide variant.
Coding change: c.10366A>G on transcript NM_000081.4 (MANE Select); coding-DNA position 10366, A replaced by G.
Protein change: p.Thr3456Ala; replaces threonine 3456 with alanine.
Molecular consequence: missense variant.
Genome position (GRCh38, 1-based): chr1:235,702,755, T>C on the plus strand (A>G on the coding strand, the complement: LYST is on the minus strand). VCF-style: chr1-235702755-T-C. GRCh37 (hg19) VCF-style: chr1-235866055-T-C.
Other names: c.10366A>G (NM_000081.2); c.10366A>G, p.Thr3456Ala (NM_001301365.1); short protein forms T3456A.
Identifiers: ClinVar variation 1037667 (VCV001037667.3), dbSNP rs1192670699, ClinGen allele CA344930971.

ClinVar aggregate classification (germline): Uncertain significance. Review status: criteria provided, multiple submitters, no conflicts (2 of 4 stars). 2 submissions from 2 submitters: Uncertain significance (2). Last evaluated 2025-08-02.

Conditions:
Chédiak-Higashi syndrome (CHS). Also called: Chediak-Higashi Syndrome. Identifiers: Orphanet 167, MedGen C0007965, MONDO:0008963, OMIM 214500.
Inborn genetic diseases. Identifiers: MedGen C0950123, MeSH D030342.

Allele frequency attached by ClinVar (database versions not stated): gnomAD exomes 0.00001; TOPMed 0.00002.
gnomAD v4.1: 7 of 1,613,778 alleles (0.00043%); highest among the groups gnomAD compares: Admixed American, 0.01%; no homozygotes.

Submissions (2):

Ambry Genetics
Classification: Uncertain significance for Inborn genetic diseases. Last evaluated: 2025-08-02. Review status: criteria provided, single submitter. Criteria: Ambry Variant Classification Scheme 2023. Collection method: clinical testing. Allele origin: germline.

Labcorp Genetics (formerly Invitae), Labcorp
Classification: Uncertain significance for Chédiak-Higashi syndrome. Last evaluated: 2021-11-13. Review status: criteria provided, single submitter. Criteria: Invitae Variant Classification Sherloc (09022015). Collection method: clinical testing. Allele origin: germline.
Comment: This sequence change replaces threonine, which is neutral and polar, with alanine, which is neutral and non-polar, at codon 3456 of the LYST protein (p.Thr3456Ala). This variant is present in population databases (no rsID available, gnomAD 0.006%). This variant has not been reported in the literature in individuals affected with LYST-related conditions. ClinVar contains an entry for this variant (Variation ID: 1037667). Algorithms developed to predict the effect of missense changes on protein structure and function (SIFT, PolyPhen-2, Align-GVGD) all suggest that this variant is likely to be tolerated. In summary, the available evidence is currently insufficient to determine the role of this variant in disease. Therefore, it has been classified as a Variant of Uncertain Significance.